The following is an entry in ClinVar:

NM_133642.5(LARGE1):c.1544G>A (p.Arg515His)

Gene: LARGE1 (LARGE xylosyl- and glucuronyltransferase 1; minus strand). Cytogenetic location: 22q12.3.
Variant type: single nucleotide variant.
Coding change: c.1544G>A on transcript NM_133642.5 (MANE Select); coding-DNA position 1544, G replaced by A.
Protein change: p.Arg515His; replaces arginine 515 with histidine.
Molecular consequence: missense variant.
Genome position (GRCh38, 1-based): chr22:33,304,415, C>T on the plus strand (G>A on the coding strand, the complement: LARGE1 is on the minus strand). VCF-style: chr22-33304415-C-T. GRCh37 (hg19) VCF-style: chr22-33700401-C-T.
Other names: c.1544G>A, p.Arg515His (NM_001362949.2, NM_001362951.2, NM_001362953.2 and 6 more transcripts); c.1388G>A, p.Arg463His (NM_001378629.1); c.941G>A, p.Arg314His (NM_001378630.1); c.785G>A, p.Arg262His (NM_001378631.1); short protein forms R314H, R262H, R515H, R463H.
Identifiers: ClinVar variation 1519060 (VCV001519060.6), dbSNP rs368030516, ClinGen allele CA10202715.

ClinVar aggregate classification (germline): Uncertain significance (1 of 4 stars; one submission).

Conditions:
Muscular dystrophy-dystroglycanopathy type B6 (MDDGB6). Also called: MUSCULAR DYSTROPHY-DYSTROGLYCANOPATHY (CONGENITAL WITH IMPAIRED INTELLECTUAL DEVELOPMENT), TYPE B, 6; MUSCULAR DYSTROPHY, CONGENITAL, LARGE-RELATED; MUSCULAR DYSTROPHY, CONGENITAL, TYPE 1D. Identifiers: MedGen C1837229, MONDO:0012138, OMIM 608840.

Allele frequency attached by ClinVar (database versions not stated): gnomAD exomes 0.00001 and 0.00002; ExAC 0.00002; gnomAD 0.00002 and 0.00003; TOPMed 0.00002; ESP Exome Variant Server 0.00008.
gnomAD v4.1: 15 of 1,614,098 alleles (0.00093%); highest among the groups gnomAD compares: African/African-American, 0.0067%; no homozygotes.

Submission:

Labcorp Genetics (formerly Invitae), Labcorp
Classification: Uncertain significance for Muscular dystrophy-dystroglycanopathy type B6. Last evaluated: 2025-02-21. Review status: criteria provided, single submitter. Criteria: Invitae Variant Classification Sherloc (09022015). Collection method: clinical testing. Allele origin: germline.
Comment: This sequence change replaces arginine, which is basic and polar, with histidine, which is basic and polar, at codon 515 of the LARGE1 protein (p.Arg515His). This variant is present in population databases (rs368030516, gnomAD 0.01%). This variant has not been reported in the literature in individuals affected with LARGE1-related conditions. ClinVar contains an entry for this variant (Variation ID: 1519060). Invitae Evidence Modeling of protein sequence and biophysical properties (such as structural, functional, and spatial information, amino acid conservation, physicochemical variation, residue mobility, and thermodynamic stability) indicates that this missense variant is not expected to disrupt LARGE1 protein function with a negative predictive value of 80%. In summary, the available evidence is currently insufficient to determine the role of this variant in disease. Therefore, it has been classified as a Variant of Uncertain Significance.